The following is an entry in ClinVar:

NM_002875.5(RAD51):c.659T>C (p.Ile220Thr)

Gene: RAD51 (RAD51 recombinase; plus strand). Cytogenetic location: 15q15.1.
Variant type: single nucleotide variant.
Coding change: c.659T>C on transcript NM_002875.5 (MANE Select); coding-DNA position 659, T replaced by C.
Protein change: p.Ile220Thr; replaces isoleucine 220 with threonine.
Molecular consequence: missense variant.
Genome position (GRCh38, 1-based): chr15:40,729,519, T>C. VCF-style: chr15-40729519-T-C. GRCh37 (hg19) VCF-style: chr15-41021717-T-C.
Other names: c.662T>C, p.Ile221Thr (NM_001164269.2, NM_133487.4); c.659T>C, p.Ile220Thr (NM_001164270.2); short protein forms I221T, I220T.
Identifiers: ClinVar variation 1754399 (VCV001754399.2), dbSNP rs2504529052, ClinGen allele CA391758521.

ClinVar aggregate classification (germline): Uncertain significance (1 of 4 stars; one submission).

Conditions:
Inborn genetic diseases. Identifiers: MedGen C0950123, MeSH D030342.

Submission:

Ambry Genetics
Classification: Uncertain significance for Inborn genetic diseases. Last evaluated: 2022-09-03. Review status: criteria provided, single submitter. Criteria: Ambry Variant Classification Scheme 2023. Collection method: clinical testing. Allele origin: germline.
Comment: The p.I220T variant (also known as c.659T>C), located in coding exon 7 of the RAD51 gene, results from a T to C substitution at nucleotide position 659. The isoleucine at codon 220 is replaced by threonine, an amino acid with similar properties. This amino acid position is conserved. In addition, this alteration is predicted to be deleterious by in silico analysis. Since supporting evidence is limited at this time, the clinical significance of this alteration remains unclear.